The following is an entry in ClinVar:

NM_024675.4(PALB2):c.942A>T (p.Gln314His)

Gene: PALB2 (partner and localizer of BRCA2; minus strand). Cytogenetic location: 16p12.2.
Variant type: single nucleotide variant.
Coding change: c.942A>T on transcript NM_024675.4 (MANE Select); coding-DNA position 942, A replaced by T.
Protein change: p.Gln314His; replaces glutamine 314 with histidine.
Molecular consequence: missense variant.
Genome position (GRCh38, 1-based): chr16:23,635,604, T>A on the plus strand (A>T on the coding strand, the complement: PALB2 is on the minus strand). VCF-style: chr16-23635604-T-A. GRCh37 (hg19) VCF-style: chr16-23646925-T-A.
Other names: c.882A>T, p.Gln294His (NM_001407296.1); c.942A>T, p.Gln314His (NM_001407297.1, NM_001407298.1, NM_001407299.1 and 3 more transcripts); c.57A>T, p.Gln19His (NM_001407304.1, NM_001407305.1, NM_001407306.1 and 5 more transcripts); short protein forms Q19H, Q314H, Q294H.
Identifiers: ClinVar variation 1766920 (VCV001766920.2), dbSNP rs1156931572, ClinGen allele CA395135140.

ClinVar aggregate classification (germline): Uncertain significance (1 of 4 stars; one submission).

Conditions:
Hereditary cancer-predisposing syndrome. Also called: Hereditary Cancer Syndrome; Hereditary neoplastic syndrome; Neoplastic Syndromes, Hereditary; Tumor predisposition. Identifiers: Orphanet 140162, MedGen C0027672, MeSH D009386, MONDO:0015356.

Submission:

Ambry Genetics
Classification: Uncertain significance for Hereditary cancer-predisposing syndrome. Last evaluated: 2022-03-23. Review status: criteria provided, single submitter. Criteria: Ambry Variant Classification Scheme 2023. Collection method: clinical testing. Allele origin: germline.
Comment: The p.Q314H variant (also known as c.942A>T), located in coding exon 4 of the PALB2 gene, results from an A to T substitution at nucleotide position 942. The glutamine at codon 314 is replaced by histidine, an amino acid with highly similar properties. This amino acid position is conserved. In addition, this alteration is predicted to be tolerated by in silico analysis. Since supporting evidence is limited at this time, the clinical significance of this alteration remains unclear.